The following is an entry in ClinVar:

NM_002890.3(RASA1):c.328C>G (p.Pro110Ala)

Gene: RASA1 (RAS p21 protein activator 1; plus strand). Cytogenetic location: 5q14.3.
Variant type: single nucleotide variant.
Coding change: c.328C>G on transcript NM_002890.3 (MANE Select); coding-DNA position 328, C replaced by G.
Protein change: p.Pro110Ala; replaces proline 110 with alanine.
Molecular consequence: missense variant.
Genome position (GRCh38, 1-based): chr5:87,268,779, C>G. VCF-style: chr5-87268779-C-G. GRCh37 (hg19) VCF-style: chr5-86564596-C-G.
Other names: short protein forms P110A.
Identifiers: ClinVar variation 3684993 (VCV003684993.2).

ClinVar aggregate classification (germline): Uncertain significance (1 of 4 stars; one submission).

Conditions:
Capillary malformation-arteriovenous malformation syndrome. Also called: Capillary malformation-arteriovenous malformation. Identifiers: Orphanet 137667, MedGen C1842180, MONDO:0012016.

Submission:

Labcorp Genetics (formerly Invitae), Labcorp
Classification: Uncertain significance for Capillary malformation-arteriovenous malformation syndrome. Last evaluated: 2024-03-09. Review status: criteria provided, single submitter. Criteria: Invitae Variant Classification Sherloc (09022015). Collection method: clinical testing. Allele origin: germline.
Comment: This sequence change replaces proline, which is neutral and non-polar, with alanine, which is neutral and non-polar, at codon 110 of the RASA1 protein (p.Pro110Ala). This variant is not present in population databases (gnomAD no frequency). This variant has not been reported in the literature in individuals affected with RASA1-related conditions. Algorithms developed to predict the effect of missense changes on protein structure and function output the following: SIFT: "Not Available"; PolyPhen-2: "Possibly Damaging"; Align-GVGD: "Not Available". The alanine amino acid residue is found in multiple mammalian species, which suggests that this missense change does not adversely affect protein function. In summary, the available evidence is currently insufficient to determine the role of this variant in disease. Therefore, it has been classified as a Variant of Uncertain Significance.